The following is an entry in ClinVar:

ClinVar aggregate classification (germline): Uncertain significance. Review status: criteria provided, multiple submitters, no conflicts (2 of 4 stars). 2 submissions from 2 submitters: Uncertain significance (2). Last evaluated 2024-09-22.

Conditions:
Cardiovascular phenotype. Identifiers: MedGen CN230736.
Hypercholesterolemia, autosomal dominant, type B (FHCL2). Also called: APOB-Related Familial Hypercholesterolemia, Autosomal Dominant; Familial Hypercholesterolemia Type B; APOLIPOPROTEIN B-100, FAMILIAL DEFECTIVE; APOLIPOPROTEIN B-100, FAMILIAL LIGAND-DEFECTIVE; Hyperlipoproteinemia Type IIb; Familial hypercholesterolemia 2. Identifiers: MedGen C1704417, MONDO:0007751, OMIM 144010.
Familial hypobetalipoproteinemia 1. Also called: APOB-Related Familial Hypobetalipoproteinemia; Hypobetalipoproteinemia, normotriglyceridemic; Acanthocytosis with hypobetalipoproteinemia. Identifiers: MedGen C4551990, MONDO:0014252, OMIM 615558.

Allele frequency attached by ClinVar (database versions not stated): gnomAD exomes below 0.00001 and 0.00001; TOPMed below 0.00001; ExAC 0.00001; gnomAD 0.00001.
gnomAD v4.1: 8 of 1,613,248 alleles (0.0005%); highest among the groups gnomAD compares: Non-Finnish European, 0.00068%; no homozygotes.

Submissions (2):

Ambry Genetics
Classification: Uncertain significance for Cardiovascular phenotype. Last evaluated: 2024-09-22. Review status: criteria provided, single submitter. Criteria: Ambry Variant Classification Scheme 2023. Collection method: clinical testing. Allele origin: germline.
Comment: The p.K2403N variant (also known as c.7209G>T), located in coding exon 26 of the APOB gene, results from a G to T substitution at nucleotide position 7209. The lysine at codon 2403 is replaced by asparagine, an amino acid with similar properties. This amino acid position is conserved. In addition, this alteration is predicted to be tolerated by in silico analysis. Based on the available evidence, the clinical significance of this variant remains unclear.

Labcorp Genetics (formerly Invitae), Labcorp
Classification: Uncertain significance for Familial hypobetalipoproteinemia 1; Hypercholesterolemia, autosomal dominant, type B. Last evaluated: 2021-09-01. Review status: criteria provided, single submitter. Criteria: Invitae Variant Classification Sherloc (09022015). Collection method: clinical testing. Allele origin: germline.
Comment: This sequence change replaces lysine with asparagine at codon 2403 of the APOB protein (p.Lys2403Asn). The lysine residue is weakly conserved and there is a moderate physicochemical difference between lysine and asparagine. This variant is present in population databases (rs777497625, ExAC 0.002%). This variant has not been reported in the literature in individuals affected with APOB-related conditions. Algorithms developed to predict the effect of missense changes on protein structure and function (SIFT, PolyPhen-2, Align-GVGD) all suggest that this variant is likely to be tolerated. In summary, the available evidence is currently insufficient to determine the role of this variant in disease. Therefore, it has been classified as a Variant of Uncertain Significance.

NM_000384.3(APOB):c.7209G>T (p.Lys2403Asn)

Gene: APOB (apolipoprotein B; minus strand). Cytogenetic location: 2p24.1.
Variant type: single nucleotide variant.
Coding change: c.7209G>T on transcript NM_000384.3 (MANE Select); coding-DNA position 7209, G replaced by T.
Protein change: p.Lys2403Asn; replaces lysine 2403 with asparagine.
Molecular consequence: missense variant.
Genome position (GRCh38, 1-based): chr2:21,009,659, C>A on the plus strand (G>T on the coding strand, the complement: APOB is on the minus strand). VCF-style: chr2-21009659-C-A. GRCh37 (hg19) VCF-style: chr2-21232531-C-A.
Other names: short protein forms K2403N.
Identifiers: ClinVar variation 404403 (VCV000404403.8), dbSNP rs777497625, ClinGen allele CA064186.